The following is an entry in ClinVar:

NM_018051.5(DYNC2I1):c.378_381del (p.Asp126fs)

Gene: DYNC2I1 (dynein 2 intermediate chain 1; plus strand). Cytogenetic location: 7q36.3.
Variant type: Deletion.
Coding change: c.378_381del on transcript NM_018051.5 (MANE Select); coding-DNA positions 378 to 381, 4 bases deleted (CAGA; older notation c.378_381delCAGA).
Protein change: p.Asp126fs; shifts the reading frame from aspartic acid 126.
Molecular consequence: frameshift variant. On other transcripts: 5 prime UTR variant (4).
Genome position (GRCh38, 1-based): chr7:158,871,450-158,871,453, CAGA deleted; deleting any 4 consecutive bases within chr7:158,871,447-158,871,453 gives the same sequence; the c. name uses the placement nearest the transcript's 3' end. VCF-style (leftmost placement, unchanged base first): chr7-158871446-AAGAC-A. GRCh37 (hg19) VCF-style: chr7-158664137-AAGAC-A.
Other names: c.240_243del, p.Asp80fs (NM_001350914.2); c.-140_-137del (NM_001350915.2); c.-981_-978del (NM_001350916.2); c.-989_-986del (NM_001350917.2); c.-1108_-1105del (NM_001350918.2); short protein forms D80fs, D126fs.
Identifiers: ClinVar variation 2025330 (VCV002025330.4), dbSNP rs1203407896, ClinGen allele CA579550992.

ClinVar aggregate classification (germline): Pathogenic (1 of 4 stars; one submission).

Conditions:
Short-rib thoracic dysplasia 8 with or without polydactyly (SRTD8). Also called: SHORT-RIB THORACIC DYSPLASIA 8 WITH POLYDACTYLY. Identifiers: Orphanet 93271, MedGen C3809691, MONDO:0014214, OMIM 615503.

Submission:

Labcorp Genetics (formerly Invitae), Labcorp
Classification: Pathogenic for Short-rib thoracic dysplasia 8 with or without polydactyly. Last evaluated: 2023-05-06. Review status: criteria provided, single submitter. Criteria: Invitae Variant Classification Sherloc (09022015). Collection method: clinical testing. Allele origin: germline.
Comment: ClinVar contains an entry for this variant (Variation ID: 2025330). This variant has not been reported in the literature in individuals affected with WDR60-related conditions. This variant is present in population databases (no rsID available, gnomAD 0.002%). This sequence change creates a premature translational stop signal (p.Asp126Glufs*38) in the WDR60 gene. It is expected to result in an absent or disrupted protein product. Loss-of-function variants in WDR60 are known to be pathogenic (PMID: 9068549, 23910462). For these reasons, this variant has been classified as Pathogenic.

Literature cited by the submitters: PubMed 9068549; PubMed 23910462.